The following is an entry in ClinVar:

NM_004415.4(DSP):c.8544A>C (p.Gly2848=)

Gene: DSP (desmoplakin; plus strand). Cytogenetic location: 6p24.3.
Variant type: single nucleotide variant.
Coding change: c.8544A>C on transcript NM_004415.4 (MANE Select); coding-DNA position 8544, A replaced by C.
Protein change: p.Gly2848=; no amino-acid change (glycine 2848 retained).
Molecular consequence: synonymous variant.
Genome position (GRCh38, 1-based): chr6:7,585,806, A>C. VCF-style: chr6-7585806-A-C. GRCh37 (hg19) VCF-style: chr6-7586039-A-C.
Other names: c.6747A>C, p.Gly2249= (NM_001008844.3); c.7215A>C, p.Gly2405= (NM_001319034.2).
Identifiers: ClinVar variation 711299 (VCV000711299.22), dbSNP rs201876903, ClinGen allele CA052766.

ClinVar aggregate classification (germline): Benign/Likely benign. Review status: criteria provided, multiple submitters, no conflicts (2 of 4 stars). 5 submissions from 5 submitters: Benign (1); Likely benign (4). Last evaluated 2025-09-01.

Conditions:
Arrhythmogenic cardiomyopathy with wooly hair and keratoderma. Also called: Dilated cardiomyopathy with woolly hair and keratoderma; PALMOPLANTAR KERATODERMA WITH LEFT VENTRICULAR CARDIOMYOPATHY AND WOOLLY HAIR; Arrhythmogenic cardiomyopathy with woolly hair and keratoderma; Carvajal syndrome. Identifiers: Orphanet 65282, MedGen C1854063, MONDO:0011581, OMIM 605676.
Arrhythmogenic right ventricular dysplasia 8 (ARVD8). Also called: Arrhythmogenic Right Ventricular Dysplasia/Cardiomyopathy 8; ARRHYTHMOGENIC RIGHT VENTRICULAR CARDIOMYOPATHY 8; ARRHYTHMOGENIC RIGHT VENTRICULAR DYSPLASIA, FAMILIAL, 8. Identifiers: MedGen C1843896, MONDO:0011831, OMIM 607450.
Cardiovascular phenotype. Identifiers: MedGen CN230736.
Cardiomyopathy (CMYO). Also called: Cardiomyopathies. Identifiers: Orphanet 167848, MedGen C0878544, MONDO:0004994, HP:0001638. Inheritance: Various modes of inheritance.

Allele frequency attached by ClinVar (database versions not stated): TOPMed below 0.00001; gnomAD exomes 0.00007; gnomAD 0.00009; ExAC 0.00013; 1000 Genomes Project 30x 0.00016; 1000 Genomes Project 0.00020.
gnomAD v4.1: 49 of 1,610,564 alleles (0.003%); highest among the groups gnomAD compares: Non-Finnish European, 0.0024%; 1 homozygote.

Submissions (5):

CeGaT Center for Human Genetics Tuebingen
Classification: Likely benign. Last evaluated: 2025-09-01. Review status: criteria provided, single submitter. Criteria: CeGaT Center For Human Genetics Tuebingen Variant Classification Criteria Version 2. Collection method: clinical testing. Allele origin: germline. Affected: yes. Observed: 2 variant alleles.
Comment: DSP: BP4, BP7

Ambry Genetics
Classification: Likely benign for Cardiovascular phenotype. Last evaluated: 2024-03-27. Review status: criteria provided, single submitter. Criteria: Ambry Variant Classification Scheme 2023. Collection method: clinical testing. Allele origin: germline.

Labcorp Genetics (formerly Invitae), Labcorp
Classification: Benign for Arrhythmogenic cardiomyopathy with wooly hair and keratoderma; Arrhythmogenic right ventricular dysplasia 8. Last evaluated: 2024-03-25. Review status: criteria provided, single submitter. Criteria: Invitae Variant Classification Sherloc (09022015). Collection method: clinical testing. Allele origin: germline.

Blueprint Genetics
Classification: Likely benign. Last evaluated: 2022-12-30. Review status: criteria provided, single submitter. Criteria: ACMG Guidelines, 2015. Collection method: clinical testing. Allele origin: germline.

Color Diagnostics, LLC DBA Color Health
Classification: Likely benign for Cardiomyopathy. Last evaluated: 2019-08-20. Review status: criteria provided, single submitter. Criteria: ACMG Guidelines, 2015. Collection method: clinical testing. Allele origin: germline.